The following is an entry in ClinVar:

NM_014709.4(USP34):c.3580A>G (p.Thr1194Ala)

Gene: USP34 (ubiquitin specific peptidase 34; minus strand). Cytogenetic location: 2p15.
Variant type: single nucleotide variant.
Coding change: c.3580A>G on transcript NM_014709.4 (MANE Select); coding-DNA position 3580, A replaced by G.
Protein change: p.Thr1194Ala; replaces threonine 1194 with alanine.
Molecular consequence: missense variant.
Genome position (GRCh38, 1-based): chr2:61,311,873, T>C on the plus strand (A>G on the coding strand, the complement: USP34 is on the minus strand). VCF-style: chr2-61311873-T-C. GRCh37 (hg19) VCF-style: chr2-61539008-T-C.
Other names: short protein forms T1194A.
Identifiers: ClinVar variation 5016744 (VCV005016744.1).

ClinVar aggregate classification (germline): Uncertain significance (1 of 4 stars; one submission).

Submission:

GeneDx
Classification: Uncertain significance. Last evaluated: 2026-04-01. Review status: criteria provided, single submitter. Criteria: GeneDx Variant Classification Process June 2021. Collection method: clinical testing. Allele origin: germline.
Comment: Not observed at significant frequency in large population cohorts (gnomAD); In silico analysis suggests that this missense variant does not alter protein structure/function; Has not been previously published as pathogenic or benign to our knowledge; Variants in candidate genes are classified as variants of uncertain significance in accordance with ACMG guidelines (PMID: 25741868)